The following is an entry in ClinVar:

NM_000059.4(BRCA2):c.6428del (p.Ser2142_Ser2143insTer)

Gene: BRCA2 (BRCA2 DNA repair associated; plus strand). Cytogenetic location: 13q13.1.
Variant type: Deletion.
Coding change: c.6428del on transcript NM_000059.4 (MANE Select); coding-DNA position 6428, one base deleted (C; older notation c.6428delC).
Protein change: p.Ser2142_Ser2143insTer.
Molecular consequence: nonsense.
Genome position (GRCh38, 1-based): chr13:32,340,783, C deleted. VCF-style (leftmost placement, unchanged base first): chr13-32340782-TC-T. GRCh37 (hg19) VCF-style: chr13-32914919-TC-T.
Other names: c.6428delC (NM_000059.3).
Identifiers: ClinVar variation 52092 (VCV000052092.8), dbSNP rs397507854, ClinGen allele CA024022.
Genomic context (GRCh38, chr13:32,340,782, plus strand): 5'-GAAAAAACCTGCAGTAAAGAATTTAAATTATCAAATAACTTAAATGTTGAAGGTGGTTCT[TC>T]AGAAAATAATCACTCTATTAAAGTTTCTCCATATCTCTCTCAATTTCAACAAGACAAACA-3'

ClinVar aggregate classification (germline): Pathogenic. Review status: reviewed by expert panel (3 of 4 stars). 4 submissions from 4 submitters: Pathogenic (1). 3 of the submissions do not count toward it. Last evaluated 2017-12-15.

Conditions:
Familial cancer of breast. Also called: BREAST CANCER, FAMILIAL; Hereditary breast cancer; hereditary breast carcinoma. Identifiers: Orphanet 227535, MedGen C0346153, MONDO:0016419, OMIM 114480. Disease mechanism: loss of function.
Hereditary cancer-predisposing syndrome. Also called: Neoplastic Syndromes, Hereditary; Tumor predisposition; Hereditary neoplastic syndrome; Hereditary Cancer Syndrome. Identifiers: Orphanet 140162, MedGen C0027672, MeSH D009386, MONDO:0015356.
Breast-ovarian cancer, familial, susceptibility to, 2 (BROVCA2). Also called: BRCA2 Hereditary Breast and Ovarian Cancer. Identifiers: Orphanet 145, MedGen C2675520, MONDO:0012933, OMIM 612555. Disease mechanism: loss of function.

Submissions (4):

Evidence-based Network for the Interpretation of Germline Mutant Alleles (ENIGMA)
Classification: Pathogenic for Breast-ovarian cancer, familial, susceptibility to, 2. Last evaluated: 2017-12-15. Review status: reviewed by expert panel. Criteria: ENIGMA BRCA1/2 Classification Criteria (2017-06-29). Collection method: curation. Allele origin: germline. Study: ENIGMA.
Comment: Variant allele predicted to encode a truncated non-functional protein.

Ambry Genetics
Classification: Pathogenic for Hereditary cancer-predisposing syndrome. Last evaluated: 2018-10-12. Review status: criteria provided, single submitter. Criteria: Ambry Variant Classification Scheme 2023. Collection method: clinical testing. Allele origin: germline. Not counted in ClinVar's aggregate classification.
Comment: The c.6428delC pathogenic mutation (also known as p.S2143*), located in coding exon 10 of the BRCA2 gene, results from a deletion of one nucleotide at nucleotide position 6428. This changes the amino acid from a serine to a stop codon within coding exon 10. This mutation (designated as 6656delC) was reported in a Turkish breast cancer family (Yazici H et al. Br. J. Cancer 2000 Sep;83:737-42). In addition to the clinical data presented in the literature, this alteration is expected to result in loss of function by premature protein truncation or nonsense-mediated mRNA decay. As such, this alteration is interpreted as a disease-causing mutation.

GeneDx
Classification: Pathogenic. Last evaluated: 2017-11-08. Review status: criteria provided, single submitter. Criteria: GeneDx Variant Classification (06012015). Collection method: clinical testing. Allele origin: germline. Affected: yes. Not counted in ClinVar's aggregate classification.
Comment: This variant is denoted BRCA2 c.6428delC at the cDNA level and p.Ser2143Ter (S2143X) at the protein level. The substitution creates a nonsense variant, which changes a Serine to a premature stop codon (TCA>TAG), and is predicted to cause loss of normal protein function through either protein truncation or nonsense-mediated mRNA decay. This variant has been reported in at least one patient with a personal and/or family history of breast and/or ovarian cancer (Yazici 2000) and is considered pathogenic.

ClinVar Staff, National Center for Biotechnology Information (NCBI)
No classification provided. Condition: Familial cancer of breast. Review status: no classification provided. Collection method: literature only. Allele origin: germline. Affected: yes. Not counted in ClinVar's aggregate classification.

Literature cited by the submitters: PubMed 10952777 (cited by Ambry Genetics and ClinVar Staff, National Center for Biotechnology Information (NCBI)).